The following is an entry in ClinVar:

ClinVar aggregate classification (germline): Uncertain significance (1 of 4 stars; one submission).

Submission:

Ambry Genetics
Classification: Uncertain significance. Last evaluated: 2022-04-09. Review status: criteria provided, single submitter. Criteria: Ambry Variant Classification Scheme 2023. Collection method: clinical testing. Allele origin: germline.
Comment: The p.C1020F variant (also known as c.3059G>T), located in coding exon 1 of the MLH3 gene, results from a G to T substitution at nucleotide position 3059. The cysteine at codon 1020 is replaced by phenylalanine, an amino acid with highly dissimilar properties. This amino acid position is conserved. In addition, the in silico prediction for this alteration is inconclusive. Since supporting evidence is limited at this time, the clinical significance of this alteration remains unclear.

NM_001040108.2(MLH3):c.3059G>T (p.Cys1020Phe)

Gene: MLH3 (mutL homolog 3; minus strand). Cytogenetic location: 14q24.3.
Variant type: single nucleotide variant.
Coding change: c.3059G>T on transcript NM_001040108.2 (MANE Select); coding-DNA position 3059, G replaced by T.
Protein change: p.Cys1020Phe; replaces cysteine 1020 with phenylalanine.
Molecular consequence: missense variant.
Genome position (GRCh38, 1-based): chr14:75,046,597, C>A on the plus strand (G>T on the coding strand, the complement: MLH3 is on the minus strand). VCF-style: chr14-75046597-C-A. GRCh37 (hg19) VCF-style: chr14-75513300-C-A.
Other names: c.3059G>T, p.Cys1020Phe (NM_014381.3); short protein forms C1020F.
Identifiers: ClinVar variation 1799328 (VCV001799328.2), dbSNP rs2139549254, ClinGen allele CA390436668.